The following is an entry in ClinVar:

NM_001399.5(EDA):c.599C>T (p.Pro200Leu)

Gene: EDA (ectodysplasin A; plus strand). Cytogenetic location: Xq13.1.
Variant type: single nucleotide variant.
Coding change: c.599C>T on transcript NM_001399.5 (MANE Select); coding-DNA position 599, C replaced by T.
Protein change: p.Pro200Leu; replaces proline 200 with leucine.
Molecular consequence: missense variant.
Genome position (GRCh38, 1-based): chrX:70,027,929, C>T. VCF-style: chrX-70027929-C-T. GRCh37 (hg19) VCF-style: chrX-69247779-C-T.
Other names: c.599C>T, p.Pro200Leu (NM_001005609.2, NM_001005612.3); short protein forms P200L.
Identifiers: ClinVar variation 3255519 (VCV003255519.2).

ClinVar aggregate classification (germline): Pathogenic (0 of 4 stars; one submission).

Conditions:
Hypohidrotic X-linked ectodermal dysplasia (XHED). Also called: ECTODERMAL DYSPLASIA, HYPOHIDROTIC, 1; CST SYNDROME; Ectodermal Dysplasia 1, Anhidrotic; Anhidrotic ectodermal dysplasia X-linked; Christ Siemens Touraine syndrome; ECTODERMAL DYSPLASIA 1. Identifiers: Orphanet 181, Orphanet 238468, MedGen C0162359, MONDO:0010585, OMIM 305100.

gnomAD v4.1: 1 of 1,180,976 alleles (0.000085%); highest among the groups gnomAD compares: Non-Finnish European, 0.00011%; no homozygotes.

Submission:

Dental Genetics Laboratory, Seoul National University School of Dentistry
Classification: Pathogenic for X-linked hypohidrotic ectodermal dysplasia. Review status: no assertion criteria provided. Collection method: clinical testing. Allele origin: maternal. Inheritance: X-linked recessive inheritance. Affected: yes.
Comment: variation affecting protein function